The following is an entry in ClinVar:

NM_001042702.5(PJVK):c.499C>T (p.Arg167Ter)

Gene: PJVK (pejvakin; plus strand). Cytogenetic location: 2q31.2.
Variant type: single nucleotide variant.
Coding change: c.499C>T on transcript NM_001042702.5 (MANE Select); coding-DNA position 499, C replaced by T.
Protein change: p.Arg167Ter; replaces arginine 167 with a stop codon.
Molecular consequence: nonsense.
Genome position (GRCh38, 1-based): chr2:178,456,101, C>T. VCF-style: chr2-178456101-C-T. GRCh37 (hg19) VCF-style: chr2-179320828-C-T.
Other names: c.508C>T, p.Arg170Ter (NM_001353775.2); c.604C>T, p.Arg202Ter (NM_001353776.2); c.22C>T, p.Arg8Ter (NM_001353777.1, NM_001353778.2); c.499C>T, p.Arg167Ter (NM_001369912.1); short protein forms R167*, R170*, R202*, R8*.
Identifiers: ClinVar variation 1300 (VCV000001300.17), dbSNP rs118203989, ClinGen allele CA251745.
Genomic context (GRCh38, chr2:178,456,101, plus strand): 5'-CAGTCAAGGAGCAGCAGAAAGGCAGTATTGTGTGTGGTCATGGAGAGCATCCGAACCACA[C>T]GACAGTGCTCACTGTCTGTGCATGCTGGAATTCGAGGGGAAGCAATGCGGGTAAACCACA-3'

ClinVar aggregate classification (germline): Pathogenic/Likely pathogenic. Review status: criteria provided, multiple submitters, no conflicts (2 of 4 stars). 7 submissions from 7 submitters: Pathogenic (5); Likely pathogenic (1). 1 of the submissions does not count toward it. Last evaluated 2026-10-06.

Conditions:
DFNB59 & PJVK-related disorders.
PJVK-related disorder. Also called: PJVK-related condition.
Rare genetic deafness. Identifiers: Orphanet 96210, MedGen C5680250.
Autosomal recessive nonsyndromic hearing loss 59. Identifiers: Orphanet 90636, MedGen C1857744, MONDO:0012445, OMIM 610220.

Allele frequency attached by ClinVar (database versions not stated): gnomAD 0.00010; TOPMed 0.00009.
gnomAD v4.1: 161 of 1,613,966 alleles (0.01%); highest among the groups gnomAD compares: Non-Finnish European, 0.013%; no homozygotes.

Submissions (7):

GeneDx
Classification: Likely pathogenic. Last evaluated: 2026-10-06. Review status: criteria provided, single submitter. Criteria: GeneDx Variant Classification Process June 2021. Collection method: clinical testing. Allele origin: germline.
Comment: Nonsense variant predicted to result in protein truncation or nonsense mediated decay in a gene for which loss of function is a known mechanism of disease; This variant is associated with the following publications: (PMID: 25525159, 22530481, 27018795, 35052489, 21696384, 28964305, 28483220, 26226137, 23804846, 17373699)

PreventionGenetics, part of Exact Sciences
Classification: Pathogenic for PJVK-related condition. Last evaluated: 2026-09-18. Review status: criteria provided, single submitter. Criteria: ACMG Guidelines, 2015. Collection method: clinical testing. Allele origin: germline.
Comment: The PJVK c.499C>T variant is predicted to result in premature protein termination (p.Arg167*). This variant was reported in the homozygous state in two siblings with hearing loss (Collin et al. 2007. PubMed ID: 17373699). This variant is reported in 0.014% of alleles in individuals of European (Non-Finnish) descent in gnomAD. Nonsense variants in PJVK are expected to be pathogenic. This variant is interpreted as pathogenic.

Genetics Research Center, University of Social Welfare and Rehabilitation Sciences
Classification: Pathogenic for Autosomal recessive nonsyndromic hearing loss 59. Last evaluated: 2025-12-09. Review status: criteria provided, single submitter. Criteria: ACMG Guidelines, 2015. Collection method: research. Allele origin: germline. Affected: yes.
Comment: The variant is present at a very low frequency in the gnomAD v2.1.1 dataset (allele frequency: 0.008%) and has been reported in individual(s) affected with PJVK-related hearing loss (PMID: 17373699‚ 23804846). It is a stop-gain mutation expected to disrupt normal protein function either through nonsense-mediated decay (NMD) or by producing a truncated protein.

Labcorp Genetics (formerly Invitae), Labcorp
Classification: Pathogenic. Last evaluated: 2025-11-25. Review status: criteria provided, single submitter. Criteria: Invitae Variant Classification Sherloc (09022015). Collection method: clinical testing. Allele origin: germline.
Comment: This sequence change creates a premature translational stop signal (p.Arg167*) in the DFNB59 gene. It is expected to result in an absent or disrupted protein product. Loss-of-function variants in DFNB59 are known to be pathogenic (PMID: 17301963, 17718875). This variant is present in population databases (rs118203989, gnomAD 0.01%). This premature translational stop signal has been observed in individual(s) with autosomal recessive deafness (PMID: 17373699). ClinVar contains an entry for this variant (Variation ID: 1300). For these reasons, this variant has been classified as Pathogenic.

Blueprint Genetics
Classification: Pathogenic for DFNB59 & PJVK-related disorders. Last evaluated: 2024-05-30. Review status: criteria provided, single submitter. Criteria: ACMG Guidelines, 2015. Collection method: clinical testing. Allele origin: germline. Affected: yes. Observed: 5 variant alleles.

Laboratory for Molecular Medicine, Mass General Brigham Personalized Medicine
Classification: Pathogenic for Rare genetic deafness. Last evaluated: 2020-06-01. Review status: criteria provided, single submitter. Criteria: ACMG Guidelines, 2015. Collection method: clinical testing. Allele origin: germline. Inheritance: Autosomal recessive inheritance.
Comment: All affected individuals were homozygous. This variant has been identified in 0.01% (18/128640) of European chromosomes by gnomAD. Although this variant has been seen in the general population, its frequency is low enough to be consistent with a recessive carrier frequency. This nonsense variant leads to a premature termination codon at position 167, which is predicted to lead to a truncated or absent protein. In summary, this variant meets criteria to be classified as pathogenic for autosomal recessive hearing loss. ACMG/AMP Criteria applied: PVS1, PM2_Supporting, PM3, PP1_Supporting.

OMIM
Classification: Pathogenic for DEAFNESS, AUTOSOMAL RECESSIVE 59. Last evaluated: 2007-07-01. Review status: no assertion criteria provided. Collection method: literature only. Allele origin: germline. Not counted in ClinVar's aggregate classification.

Literature cited by the submitters: PubMed 17373699 (cited by 4 submitters); PubMed 23804846 (cited by Genetics Research Center, University of Social Welfare and Rehabilitation Sciences and Laboratory for Molecular Medicine, Mass General Brigham Personalized Medicine); PubMed 17301963 (cited by Labcorp Genetics (formerly Invitae), Labcorp); PubMed 17718875 (cited by Labcorp Genetics (formerly Invitae), Labcorp).